The following is an entry in ClinVar:

NM_004519.4(KCNQ3):c.*6238T>C

Gene: KCNQ3 (potassium voltage-gated channel subfamily Q member 3; minus strand). Cytogenetic location: 8q24.22.
Variant type: single nucleotide variant.
Coding change: c.*6238T>C on transcript NM_004519.4 (MANE Select); 6238 bases downstream of the stop codon, T replaced by C.
Molecular consequence: 3 prime UTR variant.
Genome position (GRCh38, 1-based): chr8:132,123,024, A>G on the plus strand (T>C on the coding strand, the complement: KCNQ3 is on the minus strand). VCF-style: chr8-132123024-A-G. GRCh37 (hg19) VCF-style: chr8-133135271-A-G.
Other names: c.*6238T>C (NM_001204824.2).
Identifiers: ClinVar variation 361779 (VCV000361779.7), dbSNP rs10108362, ClinGen allele CA10630140.

ClinVar aggregate classification (germline): Benign. Review status: criteria provided, multiple submitters, no conflicts (2 of 4 stars). 2 submissions from 2 submitters: Benign (2). Last evaluated 2018-01-13.

Conditions:
Seizures, benign familial neonatal, 2. Also called: CONVULSIONS, BENIGN FAMILIAL NEONATAL, 2; KCNQ3-Related Self-Limited Familial Neonatal Epilepsy (SLFNE); Benign Neonatal Epilepsy 2; KCNQ3-Related Benign Familial Neonatal Epilepsy; Seizures, benign neonatal, 2. Identifiers: Orphanet 1949, MedGen C1852581, MONDO:0007366, OMIM 121201.

Allele frequency attached by ClinVar (database versions not stated): gnomAD 0.25815 and 0.25327; 1000 Genomes Project 30x 0.25422; TOPMed 0.25341; 1000 Genomes Project 0.25419; gnomAD exomes 0.66667.
gnomAD v4.1: 39,264 of 152,106 alleles (26%); highest among the groups gnomAD compares: Middle Eastern, 41%; 5,318 homozygotes.

Submissions (2):

Illumina Laboratory Services, Illumina
Classification: Benign for Seizures, benign familial neonatal, 2. Last evaluated: 2018-01-13. Review status: criteria provided, single submitter. Criteria: ICSL Variant Classification Criteria 13 December 2019. Collection method: clinical testing. Allele origin: germline.
Comment: This variant was observed in the ICSL laboratory as part of a predisposition screen in an ostensibly healthy population. It had not been previously curated by ICSL or reported in the Human Gene Mutation Database (HGMD: prior to June 1st, 2018), and was therefore a candidate for classification through an automated scoring system. Utilizing variant allele frequency, disease prevalence and penetrance estimates, and inheritance mode, an automated score was calculated to assess if this variant is too frequent to cause the disease. Based on the score and internal cut-off values, a variant classified as benign is not then subjected to further curation. The score for this variant resulted in a classification of benign for this disease.

Breakthrough Genomics
Classification: Benign. Review status: criteria provided, single submitter. Criteria: ACMG Guidelines, 2015. Collection method: not provided. Allele origin: germline. Inheritance: Autosomal dominant inheritance. Affected: yes.